The following is an entry in ClinVar:

ClinVar aggregate classification (germline): Likely benign (1 of 4 stars; one submission).

Submission:

CeGaT Center for Human Genetics Tuebingen
Classification: Likely benign. Last evaluated: 2022-09-01. Review status: criteria provided, single submitter. Criteria: CeGaT Center For Human Genetics Tuebingen Variant Classification Criteria Version 2. Collection method: clinical testing. Allele origin: germline. Affected: yes. Observed: 1 variant allele.
Comment: GRIA4: PM2, BS2

NM_000829.4(GRIA4):c.1433A>C (p.Asp478Ala)

Gene: GRIA4 (glutamate ionotropic receptor AMPA type subunit 4; plus strand). Cytogenetic location: 11q22.3.
Variant type: single nucleotide variant.
Coding change: c.1433A>C on transcript NM_000829.4 (MANE Select); coding-DNA position 1433, A replaced by C.
Protein change: p.Asp478Ala; replaces aspartic acid 478 with alanine.
Molecular consequence: missense variant. On other transcripts: non-coding transcript variant (1).
Genome position (GRCh38, 1-based): chr11:105,918,875, A>C. VCF-style: chr11-105918875-A-C. GRCh37 (hg19) VCF-style: chr11-105789601-A-C.
Other names: c.1433A>C, p.Asp478Ala (NM_001077243.3); short protein forms D478A.
Identifiers: ClinVar variation 2642338 (VCV002642338.24), dbSNP rs2497894298, ClinGen allele CA382299861.